The following is an entry in ClinVar:

NM_014008.5(CCDC22):c.1019A>G (p.Gln340Arg)

Gene: CCDC22 (CCC complex scaffolding subunit CCDC22; plus strand). Cytogenetic location: Xp11.23.
Variant type: single nucleotide variant.
Coding change: c.1019A>G on transcript NM_014008.5 (MANE Select); coding-DNA position 1019, A replaced by G.
Protein change: p.Gln340Arg; replaces glutamine 340 with arginine.
Molecular consequence: missense variant.
Genome position (GRCh38, 1-based): chrX:49,247,695, A>G. VCF-style: chrX-49247695-A-G. GRCh37 (hg19) VCF-style: chrX-49104156-A-G.
Other names: short protein forms Q340R.
Identifiers: ClinVar variation 3362047 (VCV003362047.1).
Genomic context (GRCh38, chrX:49,247,695, plus strand): 5'-CCTGGGCCTCCCAGGTCACGTGGGCAGCTCAGGAACAGGAGCTCGAGTCCCTTCGGGAGC[A>G]GCTGGAAGGAGTGAACCGCAGCATTGAGGAGGTTGAGGCCGACATGAAGACCCTGGGCGT-3'
Protein context (NP_054727.1, residues 330-350): QEQELESLRE[Gln340Arg]LEGVNRSIEE

ClinVar aggregate classification (germline): Uncertain significance (1 of 4 stars; one submission).

gnomAD v4.1: 2 of 1,204,859 alleles (0.00017%); highest among the groups gnomAD compares: African/African-American, 0.0035%; no homozygotes.

Submission:

GeneDx
Classification: Uncertain significance. Last evaluated: 2023-05-30. Review status: criteria provided, single submitter. Criteria: GeneDx Variant Classification Process June 2021. Collection method: clinical testing. Allele origin: germline. Affected: yes.
Comment: Not observed at significant frequency in large population cohorts (gnomAD); In silico analysis supports that this missense variant does not alter protein structure/function; Has not been previously published as pathogenic or benign to our knowledge